The following is an entry in ClinVar:

ClinVar aggregate classification (germline): Pathogenic (1 of 4 stars; one submission).

Submission:

Labcorp Genetics (formerly Invitae), Labcorp
Classification: Pathogenic. Last evaluated: 2024-05-22. Review status: criteria provided, single submitter. Criteria: Invitae Variant Classification Sherloc (09022015). Collection method: clinical testing. Allele origin: germline.
Comment: This sequence change creates a premature translational stop signal (p.Val2367Cysfs*33) in the ACAN gene. It is expected to result in an absent or disrupted protein product. Loss-of-function variants in ACAN are known to be pathogenic (PMID: 16080123, 24762113). This variant is not present in population databases (gnomAD no frequency). This variant has not been reported in the literature in individuals affected with ACAN-related conditions. For these reasons, this variant has been classified as Pathogenic.

Literature cited by the submitters: PubMed 16080123; PubMed 24762113.

NM_001369268.1(ACAN):c.7212dup (p.Val2405fs)

Gene: ACAN (aggrecan; plus strand). Cytogenetic location: 15q26.1.
Variant type: Duplication.
Coding change: c.7212dup on transcript NM_001369268.1 (MANE Select); coding-DNA position 7212, one base duplicated (T; older notation c.7212dupT).
Protein change: p.Val2405fs; shifts the reading frame from valine 2405.
Molecular consequence: frameshift variant.
Genome position (GRCh38, 1-based): chr15:88,871,533, T duplicated; the last of 3 consecutive T bases (chr15:88,871,531-88,871,533); duplicating any one gives the same sequence. VCF-style (leftmost placement, unchanged base first): chr15-88871530-G-GT. GRCh37 (hg19) VCF-style: chr15-89414761-G-GT.
Other names: c.6984dup, p.Val2329fs (NM_001135.4, NM_001411096.1); c.7098dup, p.Val2367fs (NM_001411097.1, NM_013227.4); short protein forms V2367fs, V2405fs, V2329fs.
Identifiers: ClinVar variation 3654205 (VCV003654205.2).